The following is an entry in ClinVar:

ClinVar aggregate classification (germline): Uncertain significance (1 of 4 stars; one submission).

Conditions:
Combined immunodeficiency due to LRBA deficiency. Also called: Common variable immunodeficiency 8, with autoimmunity. Identifiers: Orphanet 445018, MedGen C3553512, MONDO:0013863, OMIM 614700.

Allele frequency attached by ClinVar (database versions not stated): gnomAD 0.00001; ExAC 0.00002.
gnomAD v4.1: 27 of 1,598,974 alleles (0.0017%); highest among the groups gnomAD compares: Middle Eastern, 0.033%; 1 homozygote.

Submission:

Labcorp Genetics (formerly Invitae), Labcorp
Classification: Uncertain significance for Combined immunodeficiency due to LRBA deficiency. Last evaluated: 2022-08-23. Review status: criteria provided, single submitter. Criteria: Invitae Variant Classification Sherloc (09022015). Collection method: clinical testing. Allele origin: germline.
Comment: This sequence change replaces valine, which is neutral and non-polar, with isoleucine, which is neutral and non-polar, at codon 2185 of the LRBA protein (p.Val2185Ile). This variant is present in population databases (rs778491341, gnomAD 0.01%), including at least one homozygous and/or hemizygous individual. This variant has not been reported in the literature in individuals affected with LRBA-related conditions. ClinVar contains an entry for this variant (Variation ID: 1521713). Algorithms developed to predict the effect of missense changes on protein structure and function output the following: SIFT: "Tolerated"; PolyPhen-2: "Benign"; Align-GVGD: "Class C0". The isoleucine amino acid residue is found in multiple mammalian species, which suggests that this missense change does not adversely affect protein function. In summary, the available evidence is currently insufficient to determine the role of this variant in disease. Therefore, it has been classified as a Variant of Uncertain Significance.

NM_001364905.1(LRBA):c.6520G>A (p.Val2174Ile)

Gene: LRBA (LPS responsive beige-like anchor protein; minus strand). Cytogenetic location: 4q31.3.
Variant type: single nucleotide variant.
Coding change: c.6520G>A on transcript NM_001364905.1 (MANE Select); coding-DNA position 6520, G replaced by A.
Protein change: p.Val2174Ile; replaces valine 2174 with isoleucine.
Molecular consequence: missense variant.
Genome position (GRCh38, 1-based): chr4:150,487,763, C>T on the plus strand (G>A on the coding strand, the complement: LRBA is on the minus strand). VCF-style: chr4-150487763-C-T. GRCh37 (hg19) VCF-style: chr4-151408915-C-T.
Other names: c.6520G>A, p.Val2174Ile (NM_001199282.3, NM_001367550.1); c.6553G>A, p.Val2185Ile (NM_006726.5); short protein forms V2185I, V2174I.
Identifiers: ClinVar variation 1521713 (VCV001521713.5), dbSNP rs778491341, ClinGen allele CA3101902.